The following is an entry in ClinVar:

NM_016599.5(MYOZ2):c.466A>G (p.Ile156Val)

Gene: MYOZ2 (myozenin 2; plus strand). Cytogenetic location: 4q26.
Variant type: single nucleotide variant.
Coding change: c.466A>G on transcript NM_016599.5 (MANE Select); coding-DNA position 466, A replaced by G.
Protein change: p.Ile156Val; replaces isoleucine 156 with valine.
Molecular consequence: missense variant.
Genome position (GRCh38, 1-based): chr4:119,164,300, A>G. VCF-style: chr4-119164300-A-G. GRCh37 (hg19) VCF-style: chr4-120085455-A-G.
Other names: c.466A>G, p.Ile156Val (NM_001440645.1, NM_001440646.1); short protein forms I156V.
Identifiers: ClinVar variation 4750322 (VCV004750322.2).

ClinVar aggregate classification (germline): Uncertain significance. Review status: criteria provided, multiple submitters, no conflicts (2 of 4 stars). 2 submissions from 2 submitters: Uncertain significance (2). Last evaluated 2026-08-12.

Conditions:
MYOZ2-related disorder. Also called: MYOZ2-related condition.
Hypertrophic cardiomyopathy. Also called: HYPERTROPHIC MYOCARDIOPATHY. Identifiers: Orphanet 217569, MedGen C0007194, MeSH D002312, MONDO:0005045, HP:0001639.

gnomAD v4.1: 1 of 1,614,068 alleles (0.000062%); highest among the groups gnomAD compares: African/African-American, 0.0013%; no homozygotes.

Submissions (2):

PreventionGenetics, part of Exact Sciences
Classification: Uncertain significance for MYOZ2-related condition. Last evaluated: 2026-08-12. Review status: criteria provided, single submitter. Criteria: ACMG Guidelines, 2015. Collection method: clinical testing. Allele origin: germline.
Comment: The MYOZ2 c.466A>G variant is predicted to result in the amino acid substitution p.Ile156Val. To our knowledge, this variant has not been reported in the literature or in a large population database (gnomAD), indicating this variant is rare. At this time, the clinical significance of this variant is uncertain due to the absence of conclusive functional and genetic evidence.

Labcorp Genetics (formerly Invitae), Labcorp
Classification: Uncertain significance for Hypertrophic cardiomyopathy. Last evaluated: 2025-07-13. Review status: criteria provided, single submitter. Criteria: Invitae Variant Classification Sherloc (09022015). Collection method: clinical testing. Allele origin: germline.
Comment: This sequence change replaces isoleucine, which is neutral and non-polar, with valine, which is neutral and non-polar, at codon 156 of the MYOZ2 protein (p.Ile156Val). This variant is not present in population databases (gnomAD no frequency). This variant has not been reported in the literature in individuals affected with MYOZ2-related conditions. Invitae Evidence Modeling of protein sequence and biophysical properties (such as structural, functional, and spatial information, amino acid conservation, physicochemical variation, residue mobility, and thermodynamic stability) indicates that this missense variant is not expected to disrupt MYOZ2 protein function with a negative predictive value of 80%. In summary, the available evidence is currently insufficient to determine the role of this variant in disease. Therefore, it has been classified as a Variant of Uncertain Significance.